The following is an entry in ClinVar:

NM_133497.4(KCNV2):c.1154T>C (p.Phe385Ser)

Gene: KCNV2 (potassium voltage-gated channel modifier subfamily V member 2; plus strand). Cytogenetic location: 9p24.2.
Variant type: single nucleotide variant.
Coding change: c.1154T>C on transcript NM_133497.4 (MANE Select); coding-DNA position 1154, T replaced by C.
Protein change: p.Phe385Ser; replaces phenylalanine 385 with serine.
Molecular consequence: missense variant.
Genome position (GRCh38, 1-based): chr9:2,718,893, T>C. VCF-style: chr9-2718893-T-C. GRCh37 (hg19) VCF-style: chr9-2718893-T-C.
Other names: short protein forms F385S.
Identifiers: ClinVar variation 1503179 (VCV001503179.8), dbSNP rs1366341886, ClinGen allele CA372802219.
Genomic context (GRCh38, chr9:2,718,893, plus strand): 5'-CGGTGGGCAGCGTGGGTAAGGTGGGTCAGGTGTTGCGCGTCATGCGCCTCATGCGCATCT[T>C]CCGCATCCTCAAGCTGGCGCGCCACTCCACCGGACTGCGTGCCTTCGGCTTCACGCTGCG-3'
Protein context (NP_598004.1, residues 375-395): VLRVMRLMRI[Phe385Ser]RILKLARHST

ClinVar aggregate classification (germline): Uncertain significance (1 of 4 stars; one submission).

gnomAD v4.1: 2 of 1,608,824 alleles (0.00012%); highest among the groups gnomAD compares: East Asian, 0.0022%; no homozygotes.

Submission:

Labcorp Genetics (formerly Invitae), Labcorp
Classification: Uncertain significance. Last evaluated: 2022-08-31. Review status: criteria provided, single submitter. Criteria: Invitae Variant Classification Sherloc (09022015). Collection method: clinical testing. Allele origin: germline.
Comment: In summary, the available evidence is currently insufficient to determine the role of this variant in disease. Therefore, it has been classified as a Variant of Uncertain Significance. Advanced modeling of protein sequence and biophysical properties (such as structural, functional, and spatial information, amino acid conservation, physicochemical variation, residue mobility, and thermodynamic stability) performed at Invitae indicates that this missense variant is expected to disrupt KCNV2 protein function. This variant has not been reported in the literature in individuals affected with KCNV2-related conditions. This variant is present in population databases (no rsID available, gnomAD 0.06%). This sequence change replaces phenylalanine, which is neutral and non-polar, with serine, which is neutral and polar, at codon 385 of the KCNV2 protein (p.Phe385Ser). ClinVar contains an entry for this variant (Variation ID: 1503179).